The following is an entry in ClinVar:

NM_001128840.3(CACNA1D):c.4009C>T (p.Arg1337Trp)

Gene: CACNA1D (calcium voltage-gated channel subunit alpha1 D; plus strand). Cytogenetic location: 3p21.1.
Variant type: single nucleotide variant.
Coding change: c.4009C>T on transcript NM_001128840.3 (MANE Select); coding-DNA position 4009, C replaced by T.
Protein change: p.Arg1337Trp; replaces arginine 1337 with tryptophan.
Molecular consequence: missense variant.
Genome position (GRCh38, 1-based): chr3:53,770,517, C>T. VCF-style: chr3-53770517-C-T. GRCh37 (hg19) VCF-style: chr3-53804544-C-T.
Other names: c.4069C>T, p.Arg1357Trp (NM_000720.4); c.3964C>T, p.Arg1322Trp (NM_001128839.3); short protein forms R1322W, R1337W, R1357W.
Identifiers: ClinVar variation 2572735 (VCV002572735.4), dbSNP rs1232670370, ClinGen allele CA353257828.

ClinVar aggregate classification (germline): Uncertain significance. Review status: criteria provided, multiple submitters, no conflicts (2 of 4 stars). 2 submissions from 2 submitters: Uncertain significance (2). Last evaluated 2023-04-27.

Allele frequency attached by ClinVar (database versions not stated): gnomAD exomes below 0.00001.
gnomAD v4.1: 1 of 1,613,764 alleles (0.000062%); highest among the groups gnomAD compares: Non-Finnish European, 0.000085%; no homozygotes.

Submissions (2):

Labcorp Genetics (formerly Invitae), Labcorp
Classification: Uncertain significance. Last evaluated: 2023-04-27. Review status: criteria provided, single submitter. Criteria: Invitae Variant Classification Sherloc (09022015). Collection method: clinical testing. Allele origin: germline.
Comment: Advanced modeling of protein sequence and biophysical properties (such as structural, functional, and spatial information, amino acid conservation, physicochemical variation, residue mobility, and thermodynamic stability) performed at Invitae indicates that this missense variant is expected to disrupt CACNA1D protein function. In summary, the available evidence is currently insufficient to determine the role of this variant in disease. Therefore, it has been classified as a Variant of Uncertain Significance. This variant has not been reported in the literature in individuals affected with CACNA1D-related conditions. This variant is not present in population databases (gnomAD no frequency). This sequence change replaces arginine, which is basic and polar, with tryptophan, which is neutral and slightly polar, at codon 1357 of the CACNA1D protein (p.Arg1357Trp).

GeneDx
Classification: Uncertain significance. Last evaluated: 2023-01-17. Review status: criteria provided, single submitter. Criteria: GeneDx Variant Classification Process June 2021. Collection method: clinical testing. Allele origin: germline. Affected: yes.
Comment: Not observed at significant frequency in large population cohorts (gnomAD); In silico analysis supports that this missense variant has a deleterious effect on protein structure/function; Has not been previously published as pathogenic or benign to our knowledge